The following is an entry in ClinVar:

NM_001166114.2(PNPLA6):c.2239C>G (p.Gln747Glu)

Gene: PNPLA6 (patatin like domain 6, lysophospholipase; plus strand). Cytogenetic location: 19p13.2.
Variant type: single nucleotide variant.
Coding change: c.2239C>G on transcript NM_001166114.2 (MANE Select); coding-DNA position 2239, C replaced by G.
Protein change: p.Gln747Glu; replaces glutamine 747 with glutamic acid.
Molecular consequence: missense variant.
Genome position (GRCh38, 1-based): chr19:7,551,416, C>G. VCF-style: chr19-7551416-C-G. GRCh37 (hg19) VCF-style: chr19-7616302-C-G.
Other names: c.2266C>G, p.Gln756Glu (NM_001166111.2); c.2044C>G, p.Gln682Glu (NM_001166112.2); c.2122C>G, p.Gln708Glu (NM_001166113.1, NM_006702.5); short protein forms Q682E, Q708E, Q747E, Q756E.
Identifiers: ClinVar variation 999863 (VCV000999863.8), dbSNP rs2023644797, ClinGen allele CA403125271.
Genomic context (GRCh38, chr19:7,551,416, plus strand): 5'-CCCCAGGTCGTGACCCGCCTTATCCACCTACTGAGCCAGAAAATTCTAGGGAATTTGCAG[C>G]AGCTGCAAGGACCCTTCCCAGGTGAGAGCCGGCCGGCCCAGAGCGTGCTGGGAGATGTAG-3'
Protein context (NP_001159586.1, residues 737-757): LSQKILGNLQ[Gln747Glu]LQGPFPGSGL

ClinVar aggregate classification (germline): Uncertain significance (1 of 4 stars; one submission).

Conditions:
Hereditary spastic paraplegia 39 (SPG39). Also called: SPASTIC PARAPLEGIA 39, AUTOSOMAL RECESSIVE; Spastic Paraplegia Type 39 (SPG39). Identifiers: Orphanet 139480, MedGen C2677586, MONDO:0012787, OMIM 612020.

Submission:

Labcorp Genetics (formerly Invitae), Labcorp
Classification: Uncertain significance for Hereditary spastic paraplegia 39. Last evaluated: 2020-03-19. Review status: criteria provided, single submitter. Criteria: Invitae Variant Classification Sherloc (09022015). Collection method: clinical testing. Allele origin: germline.
Comment: This sequence change replaces glutamine with glutamic acid at codon 708 of the PNPLA6 protein (p.Gln708Glu). The glutamine residue is moderately conserved and there is a small physicochemical difference between glutamine and glutamic acid. This variant is not present in population databases (ExAC no frequency). This variant has not been reported in the literature in individuals with PNPLA6-related conditions. Algorithms developed to predict the effect of missense changes on protein structure and function (SIFT, PolyPhen-2, Align-GVGD) all suggest that this variant is likely to be tolerated, but these predictions have not been confirmed by published functional studies and their clinical significance is uncertain. In summary, the available evidence is currently insufficient to determine the role of this variant in disease. Therefore, it has been classified as a Variant of Uncertain Significance.